The following is an entry in ClinVar:

ClinVar aggregate classification (germline): Uncertain significance (1 of 4 stars; one submission).

Submission:

GeneDx
Classification: Uncertain significance. Last evaluated: 2024-12-12. Review status: criteria provided, single submitter. Criteria: GeneDx Variant Classification Process June 2021. Collection method: clinical testing. Allele origin: germline. Affected: yes.
Comment: Not observed at significant frequency in large population cohorts (gnomAD); In silico analysis indicates that this missense variant does not alter protein structure/function; Has not been previously published as pathogenic or benign to our knowledge

NM_022841.7(RFX7):c.2444A>G (p.Asp815Gly)

Gene: RFX7 (regulatory factor X7; minus strand). Cytogenetic location: 15q21.3.
Variant type: single nucleotide variant.
Coding change: c.2444A>G on transcript NM_022841.7 (MANE Select); coding-DNA position 2444, A replaced by G.
Protein change: p.Asp815Gly; replaces aspartic acid 815 with glycine.
Molecular consequence: missense variant.
Genome position (GRCh38, 1-based): chr15:56,095,284, T>C on the plus strand (A>G on the coding strand, the complement: RFX7 is on the minus strand). VCF-style: chr15-56095284-T-C. GRCh37 (hg19) VCF-style: chr15-56387482-T-C.
Other names: c.2153A>G, p.Asp718Gly (NM_001368073.2, NM_001368074.1, NM_001370554.1); c.2444A>G, p.Asp815Gly (NM_001370561.1); short protein forms D718G, D815G.
Identifiers: ClinVar variation 3902884 (VCV003902884.1).
Genomic context (GRCh38, chr15:56,095,284, plus strand): 5'-AGCTGCTGGCTATATGTGTCCTGTGGCATTCCTTCTAATTCCCAAACAGATTTCTCTAAG[T>C]CATTGATATCAGAGTGCTCAGGAATTGTCATAACACTGATATCTTGCTGTTGTTCACAAC-3'
Protein context (NP_073752.6, residues 805-825): MTIPEHSDIN[Asp815Gly]LEKSVWELEG